The following is an entry in ClinVar:

NM_001130004.2(ACTN1):c.595G>T (p.Asp199Tyr)

Gene: ACTN1 (actinin alpha 1; minus strand). Cytogenetic location: 14q24.1.
Variant type: single nucleotide variant.
Coding change: c.595G>T on transcript NM_001130004.2 (MANE Select); coding-DNA position 595, G replaced by T.
Protein change: p.Asp199Tyr; replaces aspartic acid 199 with tyrosine.
Molecular consequence: missense variant. On other transcripts: 5 prime UTR variant (1).
Genome position (GRCh38, 1-based): chr14:68,904,736, C>A on the plus strand (G>T on the coding strand, the complement: ACTN1 is on the minus strand). VCF-style: chr14-68904736-C-A. GRCh37 (hg19) VCF-style: chr14-69371453-C-A.
Other names: c.595G>T, p.Asp199Tyr (NM_001424025.1, NM_001424029.1, NM_001424027.1 and 9 more transcripts); c.400G>T, p.Asp134Tyr (NM_001424026.1, NM_001424028.1, NM_001411036.1); c.-316G>T (NM_001424030.1); c.721G>T, p.Asp241Tyr (NM_001424013.1); c.682G>T, p.Asp228Tyr (NM_001424015.1); c.592G>T, p.Asp198Tyr (NM_001424017.1); c.532G>T, p.Asp178Tyr (NM_001424018.1, NM_001424020.1, NM_001424022.1); c.526G>T, p.Asp176Tyr (NM_001424021.1); short protein forms D134Y, D228Y, D176Y, D241Y, D178Y, D199Y, D198Y.
Identifiers: ClinVar variation 3654265 (VCV003654265.2).

ClinVar aggregate classification (germline): Uncertain significance (1 of 4 stars; one submission).

Submission:

Labcorp Genetics (formerly Invitae), Labcorp
Classification: Uncertain significance. Last evaluated: 2025-12-22. Review status: criteria provided, single submitter. Criteria: Invitae Variant Classification Sherloc (09022015). Collection method: clinical testing. Allele origin: germline.
Comment: This sequence change replaces aspartic acid, which is acidic and polar, with tyrosine, which is neutral and polar, at codon 199 of the ACTN1 protein (p.Asp199Tyr). This variant is not present in population databases (gnomAD no frequency). This variant has not been reported in the literature in individuals affected with ACTN1-related conditions. ClinVar contains an entry for this variant (Variation ID: 3654265). An algorithm developed to predict the effect of missense changes on protein structure and function (PolyPhen-2) suggests that this variant is likely to be disruptive. In summary, the available evidence is currently insufficient to determine the role of this variant in disease. Therefore, it has been classified as a Variant of Uncertain Significance.